The following is an entry in ClinVar:

NM_000455.5(STK11):c.375G>A (p.Met125Ile)

Gene: STK11 (serine/threonine kinase 11; plus strand). Cytogenetic location: 19p13.3.
Variant type: single nucleotide variant.
Coding change: c.375G>A on transcript NM_000455.5 (MANE Select); coding-DNA position 375, G replaced by A.
Protein change: p.Met125Ile; replaces methionine 125 with isoleucine.
Molecular consequence: missense variant.
Genome position (GRCh38, 1-based): chr19:1,219,324, G>A. VCF-style: chr19-1219324-G-A. GRCh37 (hg19) VCF-style: chr19-1219323-G-A.
Other names: short protein forms M125I.
Identifiers: ClinVar variation 659352 (VCV000659352.20), dbSNP rs1421605142, ClinGen allele CA402948074.

ClinVar aggregate classification (germline): Uncertain significance. Review status: criteria provided, multiple submitters, no conflicts (2 of 4 stars). 4 submissions from 4 submitters: Uncertain significance (4). Last evaluated 2025-03-30.

Conditions:
Peutz-Jeghers syndrome (PJS). Also called: POLYPOSIS, HAMARTOMATOUS INTESTINAL; POLYPS-AND-SPOTS SYNDROME; Peutz-Jeghers polyposis; Periorificial lentiginosis syndrome. Identifiers: Orphanet 2869, MedGen C0031269, MeSH D010580, MONDO:0008280, OMIM 175200.
Hereditary cancer-predisposing syndrome. Also called: Neoplastic Syndromes, Hereditary; Hereditary neoplastic syndrome; Hereditary Cancer Syndrome; Tumor predisposition. Identifiers: Orphanet 140162, MedGen C0027672, MeSH D009386, MONDO:0015356.

Allele frequency attached by ClinVar (database versions not stated): gnomAD exomes below 0.00001.

Submissions (4):

Ambry Genetics
Classification: Uncertain significance for Hereditary cancer-predisposing syndrome. Last evaluated: 2025-03-30. Review status: criteria provided, single submitter. Criteria: Ambry Variant Classification Scheme 2023. Collection method: clinical testing. Allele origin: germline.
Comment: The p.M125I variant (also known as c.375G>A) is located in coding exon 3 of the STK11 gene. The methionine at codon 125 is replaced by isoleucine, an amino acid with highly similar properties. This change occurs in the first base pair of coding exon 3. This amino acid position is highly conserved in available vertebrate species. In addition, the in silico prediction for this alteration is inconclusive. Since supporting evidence is limited at this time, the clinical significance of this alteration remains unclear.

Genome-Nilou Lab
Classification: Uncertain significance for Peutz-Jeghers syndrome. Last evaluated: 2021-07-15. Review status: criteria provided, single submitter. Criteria: ACMG Guidelines, 2015. Collection method: clinical testing. Allele origin: germline. Affected: no.

Color Diagnostics, LLC DBA Color Health
Classification: Uncertain significance for Hereditary cancer-predisposing syndrome. Last evaluated: 2021-07-14. Review status: criteria provided, single submitter. Criteria: ACMG Guidelines, 2015. Collection method: clinical testing. Allele origin: germline.
Comment: This missense variant replaces methionine with isoleucine at codon 125 of the STK11 protein. Computational prediction is inconclusive regarding the impact of this variant on protein structure and function (internally defined REVEL score threshold 0.5 < inconclusive < 0.7, PMID: 27666373). To our knowledge, functional studies have not been reported for this variant. This variant has not been reported in individuals affected with hereditary cancer in the literature. This variant has not been identified in the general population by the Genome Aggregation Database (gnomAD). The available evidence is insufficient to determine the role of this variant in disease conclusively. Therefore, this variant is classified as a Variant of Uncertain Significance.

Labcorp Genetics (formerly Invitae), Labcorp
Classification: Uncertain significance for Peutz-Jeghers syndrome. Last evaluated: 2019-03-30. Review status: criteria provided, single submitter. Criteria: Invitae Variant Classification Sherloc (09022015). Collection method: clinical testing. Allele origin: germline.
Comment: In summary, the available evidence is currently insufficient to determine the role of this variant in disease. Therefore, it has been classified as a Variant of Uncertain Significance. Algorithms developed to predict the effect of missense changes on protein structure and function (SIFT, PolyPhen-2, Align-GVGD) all suggest that this variant is likely to be tolerated, but these predictions have not been confirmed by published functional studies and their clinical significance is uncertain. This variant has not been reported in the literature in individuals with STK11-related disease. This variant is not present in population databases (ExAC no frequency). This sequence change replaces methionine with isoleucine at codon 125 of the STK11 protein (p.Met125Ile). The methionine residue is weakly conserved and there is a small physicochemical difference between methionine and isoleucine.